The following is an entry in ClinVar:

ClinVar aggregate classification (germline): Uncertain significance (1 of 4 stars; one submission).

gnomAD v4.1: 1 of 1,614,214 alleles (0.000062%); highest among the groups gnomAD compares: Non-Finnish European, 0.000085%; no homozygotes.

Submission:

Labcorp Genetics (formerly Invitae), Labcorp
Classification: Uncertain significance. Last evaluated: 2024-03-12. Review status: criteria provided, single submitter. Criteria: Invitae Variant Classification Sherloc (09022015). Collection method: clinical testing. Allele origin: germline.
Comment: This sequence change replaces glutamic acid, which is acidic and polar, with lysine, which is basic and polar, at codon 367 of the SNRNP200 protein (p.Glu367Lys). This variant is present in population databases (no rsID available, gnomAD 0.0009%). This variant has not been reported in the literature in individuals affected with SNRNP200-related conditions. Advanced modeling of protein sequence and biophysical properties (such as structural, functional, and spatial information, amino acid conservation, physicochemical variation, residue mobility, and thermodynamic stability) performed at Invitae indicates that this missense variant is not expected to disrupt SNRNP200 protein function with a negative predictive value of 80%. In summary, the available evidence is currently insufficient to determine the role of this variant in disease. Therefore, it has been classified as a Variant of Uncertain Significance.

NM_014014.5(SNRNP200):c.1099G>A (p.Glu367Lys)

Gene: SNRNP200 (small nuclear ribonucleoprotein U5 subunit 200; minus strand). Cytogenetic location: 2q11.2.
Variant type: single nucleotide variant.
Coding change: c.1099G>A on transcript NM_014014.5 (MANE Select); coding-DNA position 1099, G replaced by A.
Protein change: p.Glu367Lys; replaces glutamic acid 367 with lysine.
Molecular consequence: missense variant.
Genome position (GRCh38, 1-based): chr2:96,298,304, C>T on the plus strand (G>A on the coding strand, the complement: SNRNP200 is on the minus strand). VCF-style: chr2-96298304-C-T. GRCh37 (hg19) VCF-style: chr2-96964042-C-T.
Other names: short protein forms E367K.
Identifiers: ClinVar variation 3682389 (VCV003682389.2).